The following is an entry in ClinVar:

NM_000548.5(TSC2):c.387T>A (p.Asp129Glu)

Gene: TSC2 (TSC complex subunit 2; plus strand). Cytogenetic location: 16p13.3.
Variant type: single nucleotide variant.
Coding change: c.387T>A on transcript NM_000548.5 (MANE Select); coding-DNA position 387, T replaced by A.
Protein change: p.Asp129Glu; replaces aspartic acid 129 with glutamic acid.
Molecular consequence: missense variant. On other transcripts: intron variant (1).
Genome position (GRCh38, 1-based): chr16:2,054,346, T>A. VCF-style: chr16-2054346-T-A. GRCh37 (hg19) VCF-style: chr16-2104347-T-A.
Other names: c.387T>A, p.Asp129Glu (NM_001077183.3, NM_001114382.3, NM_001363528.2 and 3 more transcripts); c.276T>A, p.Asp92Glu (NM_001318827.2); c.240T>A, p.Asp80Glu (NM_001318829.2); c.420T>A, p.Asp140Glu (NM_001318832.2); c.-1-1850T>A (NM_001318831.2); short protein forms D80E, D92E, D140E, D129E.
Identifiers: ClinVar variation 1443754 (VCV001443754.10), dbSNP rs1202650869, ClinGen allele CA394306884.

ClinVar aggregate classification (germline): Conflicting classifications of pathogenicity. Review status: criteria provided, conflicting classifications (1 of 4 stars). 2 submissions from 2 submitters: Uncertain significance (1); Benign (1). Last evaluated 2025-11-03.

Conditions:
Tuberous sclerosis syndrome (TSC). Also called: Tuberous Sclerosis Complex; Tuberous sclerosis. Identifiers: Orphanet 805, MedGen C0041341, MONDO:0001734.
Tuberous sclerosis 2 (TSC2). Identifiers: Orphanet 805, MedGen C1860707, MONDO:0013199, OMIM 613254.

Allele frequency attached by ClinVar (database versions not stated): gnomAD exomes below 0.00001.
gnomAD v4.1: 1 of 1,614,196 alleles (0.000062%); highest among the groups gnomAD compares: Admixed American, 0.0017%; no homozygotes.

Submissions (2):

Labcorp Genetics (formerly Invitae), Labcorp
Classification: Benign for Tuberous sclerosis 2. Last evaluated: 2025-11-03. Review status: criteria provided, single submitter. Criteria: Invitae Variant Classification Sherloc (09022015). Collection method: clinical testing. Allele origin: germline.

All of Us Research Program, National Institutes of Health
Classification: Uncertain significance for Tuberous sclerosis syndrome. Last evaluated: 2023-09-17. Review status: criteria provided, single submitter. Criteria: ACMG Guidelines, 2015. Collection method: clinical testing. Allele origin: germline. Inheritance: Autosomal dominant inheritance. Observed: 1 variant allele, 1 heterozygote.
Comment: This missense variant replaces aspartic acid with glutamic acid at codon 129 of the TSC2 protein. Computational prediction suggests that this variant may not impact protein structure and function (internally defined REVEL score threshold <= 0.5, PMID: 27666373). To our knowledge, functional studies have not been reported for this variant. This variant has not been reported in individuals affected with tuberous sclerosis complex in the literature. This variant has been identified in 1/251480 chromosomes in the general population by the Genome Aggregation Database (gnomAD). The available evidence is insufficient to determine the role of this variant in disease conclusively. Therefore, this variant is classified as a Variant of Uncertain Significance.

This study involves interpretation of variants in research participants for the purpose of population health screening. Participant phenotype was not available at the time of variant classification. Additional details can be found in publication PMID: 35346344, PMCID: PMC8962531